The following is an entry in ClinVar:

NM_018965.4(TREM2):c.433G>T (p.Gly145Trp)

Gene: TREM2 (triggering receptor expressed on myeloid cells 2; minus strand). Cytogenetic location: 6p21.1.
Variant type: single nucleotide variant.
Coding change: c.433G>T on transcript NM_018965.4 (MANE Select); coding-DNA position 433, G replaced by T.
Protein change: p.Gly145Trp; replaces glycine 145 with tryptophan.
Molecular consequence: missense variant.
Genome position (GRCh38, 1-based): chr6:41,159,841, C>A on the plus strand (G>T on the coding strand, the complement: TREM2 is on the minus strand). VCF-style: chr6-41159841-C-A. GRCh37 (hg19) VCF-style: chr6-41127579-C-A.
Other names: c.433G>T, p.Gly145Trp (NM_001271821.2); short protein forms G145W.
Identifiers: ClinVar variation 1430279 (VCV001430279.6), dbSNP rs766647311, ClinGen allele CA3798881.

ClinVar aggregate classification (germline): Uncertain significance (1 of 4 stars; one submission).

Allele frequency attached by ClinVar (database versions not stated): ExAC 0.00001.
gnomAD v4.1: 5 of 1,614,024 alleles (0.00031%); highest among the groups gnomAD compares: Non-Finnish European, 0.00025%; no homozygotes.

Submission:

Labcorp Genetics (formerly Invitae), Labcorp
Classification: Uncertain significance. Last evaluated: 2021-10-12. Review status: criteria provided, single submitter. Criteria: Invitae Variant Classification Sherloc (09022015). Collection method: clinical testing. Allele origin: germline.
Comment: In summary, the available evidence is currently insufficient to determine the role of this variant in disease. Therefore, it has been classified as a Variant of Uncertain Significance. Experimental studies have shown that this missense change affects TREM2 function (PMID: 31464095). Algorithms developed to predict the effect of missense changes on protein structure and function are either unavailable or do not agree on the potential impact of this missense change (SIFT: "Deleterious"; PolyPhen-2: "Possibly Damaging"; Align-GVGD: "Class C0"). This missense change has been observed in individual(s) with TREM2-related conditions (PMID: 31464095). This variant is present in population databases (rs766647311, gnomAD 0.0009%). This sequence change replaces glycine, a(n) neutral and non-polar amino acid, with tryptophan, a(n) neutral and slightly polar amino acid, at codon 145 of the TREM2 protein (p.Gly145Trp).

Literature cited by the submitters: PubMed 31464095.